The following is an entry in ClinVar:

ClinVar aggregate classification (germline): Likely benign (0 of 4 stars; one submission).

Conditions:
LRP1-related disorder. Also called: LRP1-related condition.

Allele frequency attached by ClinVar (database versions not stated): TOPMed 0.00001; ExAC 0.00002; gnomAD 0.00003.
gnomAD v4.1: 24 of 1,613,930 alleles (0.0015%); highest among the groups gnomAD compares: Middle Eastern, 0.033%; no homozygotes.

Submission:

PreventionGenetics, part of Exact Sciences
Classification: Likely benign for LRP1-related condition. Last evaluated: 2019-08-29. Review status: no assertion criteria provided. Collection method: clinical testing. Allele origin: germline.
Comment: This variant is classified as likely benign based on ACMG/AMP sequence variant interpretation guidelines (Richards et al. 2015 PMID: 25741868, with internal and published modifications).

NM_002332.3(LRP1):c.2322C>T (p.Gly774=)

Gene: LRP1 (LDL receptor related protein 1; plus strand). Cytogenetic location: 12q13.3.
Variant type: single nucleotide variant.
Coding change: c.2322C>T on transcript NM_002332.3 (MANE Select); coding-DNA position 2322, C replaced by T.
Protein change: p.Gly774=; no amino-acid change (glycine 774 retained).
Molecular consequence: synonymous variant.
Genome position (GRCh38, 1-based): chr12:57,162,436, C>T. VCF-style: chr12-57162436-C-T. GRCh37 (hg19) VCF-style: chr12-57556219-C-T.
Identifiers: ClinVar variation 3052531 (VCV003052531.2), dbSNP rs759621055, ClinGen allele CA6642735.